The following is an entry in ClinVar:

ClinVar aggregate classification (germline): Likely benign. Review status: criteria provided, multiple submitters, no conflicts (2 of 4 stars). 3 submissions from 3 submitters: Likely benign (3). Last evaluated 2026-08-01.

Conditions:
Autoimmune interstitial lung disease-arthritis syndrome. Also called: Autoinflammation and autoimmunity, systemic, with immune dysregulation. Identifiers: Orphanet 444092, MedGen C5975714, MONDO:0014629.

gnomAD v4.1: 28 of 1,608,602 alleles (0.0017%); highest among the groups gnomAD compares: African/African-American, 0.004%; no homozygotes.

Submissions (3):

CeGaT Center for Human Genetics Tuebingen
Classification: Likely benign. Last evaluated: 2026-08-01. Review status: criteria provided, single submitter. Criteria: CeGaT Center For Human Genetics Tuebingen Variant Classification Criteria Version 2. Collection method: clinical testing. Allele origin: germline. Affected: yes. Observed: 1 variant allele.
Comment: COPA: BP4, BP7

Labcorp Genetics (formerly Invitae), Labcorp
Classification: Likely benign for Autoimmune interstitial lung disease-arthritis syndrome. Last evaluated: 2025-11-21. Review status: criteria provided, single submitter. Criteria: Invitae Variant Classification Sherloc (09022015). Collection method: clinical testing. Allele origin: germline.

Blueprint Genetics
Classification: Likely benign. Last evaluated: 2024-02-14. Review status: criteria provided, single submitter. Criteria: ACMG Guidelines, 2015. Collection method: clinical testing. Allele origin: germline.

NM_004371.4(COPA):c.1428C>T (p.Asp476=)

Gene: COPA (coat protein complex I subunit alpha; minus strand). Cytogenetic location: 1q23.2.
Variant type: single nucleotide variant.
Coding change: c.1428C>T on transcript NM_004371.4 (MANE Select); coding-DNA position 1428, C replaced by T.
Protein change: p.Asp476=; no amino-acid change (aspartic acid 476 retained).
Molecular consequence: synonymous variant.
Genome position (GRCh38, 1-based): chr1:160,306,368, G>A on the plus strand (C>T on the coding strand, the complement: COPA is on the minus strand). VCF-style: chr1-160306368-G-A. GRCh37 (hg19) VCF-style: chr1-160276158-G-A.
Other names: c.1428C>T, p.Asp476= (NM_001098398.2).
Identifiers: ClinVar variation 4694308 (VCV004694308.3).
Genomic context (GRCh38, chr1:160,306,368, plus strand): 5'-CTCCCCAACTACAGGGCTGTCTGCTTAGGGGCACCTGATATGTTACCGCTTCTGCTGTAC[G>A]TCAAAGAGTGTGATAGAGTCCGCATCTCGAAGCAGGAGATTGCCTGTGCCAGCATAGAAG-3'
Protein context (NP_004362.2, residues 466-486): LRDADSITLF[Asp476=]VQQKRTLASV